The following is an entry in ClinVar:

ClinVar aggregate classification (germline): Uncertain significance (1 of 4 stars; one submission).

Submission:

Labcorp Genetics (formerly Invitae), Labcorp
Classification: Uncertain significance. Last evaluated: 2025-03-20. Review status: criteria provided, single submitter. Criteria: Invitae Variant Classification Sherloc (09022015). Collection method: clinical testing. Allele origin: germline.
Comment: This sequence change replaces glutamine, which is neutral and polar, with glutamic acid, which is acidic and polar, at codon 1352 of the MYH3 protein (p.Gln1352Glu). This variant is present in population databases (rs574700545, gnomAD 0.02%). This variant has not been reported in the literature in individuals affected with MYH3-related conditions. Invitae Evidence Modeling of protein sequence and biophysical properties (such as structural, functional, and spatial information, amino acid conservation, physicochemical variation, residue mobility, and thermodynamic stability) indicates that this missense variant is not expected to disrupt MYH3 protein function with a negative predictive value of 95%. In summary, the available evidence is currently insufficient to determine the role of this variant in disease. Therefore, it has been classified as a Variant of Uncertain Significance.

NM_002470.4(MYH3):c.4054C>G (p.Gln1352Glu)

Gene: MYH3 (myosin heavy chain 3; minus strand). Cytogenetic location: 17p13.1.
Variant type: single nucleotide variant.
Coding change: c.4054C>G on transcript NM_002470.4 (MANE Select); coding-DNA position 4054, C replaced by G.
Protein change: p.Gln1352Glu; replaces glutamine 1352 with glutamic acid.
Molecular consequence: missense variant.
Genome position (GRCh38, 1-based): chr17:10,635,485, G>C on the plus strand (C>G on the coding strand, the complement: MYH3 is on the minus strand). VCF-style: chr17-10635485-G-C. GRCh37 (hg19) VCF-style: chr17-10538802-G-C.
Other names: short protein forms Q1352E.
Identifiers: ClinVar variation 4706897 (VCV004706897.1).